The following is an entry in ClinVar:

ClinVar aggregate classification (germline): Pathogenic (1 of 4 stars; one submission).

Submission:

Medical Genetic Center, Changzhi Maternal and Child Health Care Hospital
Classification: Pathogenic. Last evaluated: 2025-12-10. Review status: criteria provided, single submitter. Criteria: ACMG/ClinGen CNV Guidelines, 2019. Collection method: clinical testing. Allele origin: unknown.
Comment: 2A:DMD partial deletion (NM_004006.3, exons 3-9)

GRCh38/hg38 Xp21.1(chrX:32694240-32873603)x0

Gene: DMD (dystrophin; minus strand). Cytogenetic location: Xp21.1.
Variant type: copy number loss.
Change: copy number 0 of chrX:32,694,240-32,873,603 (179.4 kb, GRCh38 coordinates, 1-based), cytogenetic band Xp21.1.
Identifiers: ClinVar variation 4796217 (VCV004796217.1).